The following is an entry in ClinVar:

NM_001378615.1(CC2D2A):c.4652T>C (p.Leu1551Pro)

Genes: CC2D2A (coiled-coil and C2 domain containing 2A; plus strand), FBXL5 (F-box and leucine rich repeat protein 5; minus strand). Cytogenetic location: 4p15.32.
Variant type: single nucleotide variant.
Coding change: c.4652T>C on transcript NM_001378615.1 (MANE Select); coding-DNA position 4652, T replaced by C.
Protein change: p.Leu1551Pro; replaces leucine 1551 with proline.
Molecular consequence: missense variant.
Genome position (GRCh38, 1-based): chr4:15,599,684, T>C. VCF-style: chr4-15599684-T-C. GRCh37 (hg19) VCF-style: chr4-15601307-T-C.
Other names: c.4652T>C, p.Leu1551Pro (NM_001080522.2); c.4505T>C, p.Leu1502Pro (NM_001378617.1); short protein forms L1502P, L1551P.
Identifiers: ClinVar variation 1035129 (VCV001035129.10), dbSNP rs763425007, ClinGen allele CA2864430.

ClinVar aggregate classification (germline): Likely pathogenic. Review status: criteria provided, multiple submitters, no conflicts (2 of 4 stars). 2 submissions from 2 submitters: Likely pathogenic (2). Last evaluated 2026-02-09.

Conditions:
Joubert syndrome. Also called: JOUBERT-BOLTSHAUSER SYNDROME; Familial aplasia of the vermis. Identifiers: Orphanet 475, MedGen C5979921, MONDO:0018772.
Meckel-Gruber syndrome. Also called: Dysencephalia splachnocystica; DYSENCEPHALIA SPLANCHNOCYSTICA; GRUBER SYNDROME. Identifiers: Orphanet 564, MedGen C0265215, MONDO:0018921.

Allele frequency attached by ClinVar (database versions not stated): gnomAD exomes 0.00001; ExAC 0.00002; TOPMed 0.00002; gnomAD 0.00003.
gnomAD v4.1: 14 of 1,611,798 alleles (0.00087%); highest among the groups gnomAD compares: African/African-American, 0.0027%; no homozygotes.

Submissions (2):

GeneDx
Classification: Likely pathogenic. Last evaluated: 2026-02-09. Review status: criteria provided, single submitter. Criteria: GeneDx Variant Classification Process June 2021. Collection method: clinical testing. Allele origin: germline.
Comment: Not observed at significant frequency in large population cohorts (gnomAD); In silico analysis suggests that this missense variant does not alter protein structure/function; This variant is associated with the following publications: (PMID: 31964843, 18950740)

Labcorp Genetics (formerly Invitae), Labcorp
Classification: Likely pathogenic for Joubert syndrome; Meckel-Gruber syndrome. Last evaluated: 2025-11-26. Review status: criteria provided, single submitter. Criteria: Invitae Variant Classification Sherloc (09022015). Collection method: clinical testing. Allele origin: germline.
Comment: This sequence change replaces leucine, which is neutral and non-polar, with proline, which is neutral and non-polar, at codon 1551 of the CC2D2A protein (p.Leu1551Pro). The frequency data for this variant in the population databases is considered unreliable, as metrics indicate poor data quality at this position in the gnomAD database. This missense change has been observed in individual(s) with Joubert syndrome (PMID: 18950740). ClinVar contains an entry for this variant (Variation ID: 1035129). Invitae Evidence Modeling of protein sequence and biophysical properties (such as structural, functional, and spatial information, amino acid conservation, physicochemical variation, residue mobility, and thermodynamic stability) indicates that this missense variant is not expected to disrupt CC2D2A protein function with a negative predictive value of 80%. In summary, the currently available evidence indicates that the variant is pathogenic, but additional data are needed to prove that conclusively. Therefore, this variant has been classified as Likely Pathogenic.

Literature cited by the submitters: PubMed 18950740 (cited by Labcorp Genetics (formerly Invitae), Labcorp).